The following is an entry in ClinVar:

NM_017780.4(CHD7):c.6966C>G (p.Asn2322Lys)

Gene: CHD7 (chromodomain helicase DNA binding protein 7; plus strand). Cytogenetic location: 8q12.2.
Variant type: single nucleotide variant.
Coding change: c.6966C>G on transcript NM_017780.4 (MANE Select); coding-DNA position 6966, C replaced by G.
Protein change: p.Asn2322Lys; replaces asparagine 2322 with lysine.
Molecular consequence: missense variant. On other transcripts: intron variant (1).
Genome position (GRCh38, 1-based): chr8:60,856,004, C>G. VCF-style: chr8-60856004-C-G. GRCh37 (hg19) VCF-style: chr8-61768563-C-G.
Other names: c.1717-6225C>G (NM_001316690.1); short protein forms N2322K.
Identifiers: ClinVar variation 4770549 (VCV004770549.1).

ClinVar aggregate classification (germline): Uncertain significance (1 of 4 stars; one submission).

Conditions:
CHARGE syndrome (CHARGE). Also called: Hittner Hirsch Kreh syndrome; CHARGE ASSOCIATION--COLOBOMA, HEART ANOMALY, CHOANAL ATRESIA, RETARDATION, GENITAL AND EAR ANOMALIES; Coloboma, heart anomaly, choanal atresia, retardation, genital and ear anomalies; CHARGE association; Hall-Hittner syndrome. Identifiers: Orphanet 138, MedGen C0265354, MONDO:0008965.

Submission:

Labcorp Genetics (formerly Invitae), Labcorp
Classification: Uncertain significance for CHARGE syndrome. Last evaluated: 2025-03-18. Review status: criteria provided, single submitter. Criteria: Invitae Variant Classification Sherloc (09022015). Collection method: clinical testing. Allele origin: germline.
Comment: This sequence change replaces asparagine, which is neutral and polar, with lysine, which is basic and polar, at codon 2322 of the CHD7 protein (p.Asn2322Lys). This variant is present in population databases (no rsID available, gnomAD 0.0009%). This variant has not been reported in the literature in individuals affected with CHD7-related conditions. Invitae Evidence Modeling of protein sequence and biophysical properties (such as structural, functional, and spatial information, amino acid conservation, physicochemical variation, residue mobility, and thermodynamic stability) indicates that this missense variant is not expected to disrupt CHD7 protein function with a negative predictive value of 80%. In summary, the available evidence is currently insufficient to determine the role of this variant in disease. Therefore, it has been classified as a Variant of Uncertain Significance.